The following is an entry in ClinVar:

NM_032888.4(COL27A1):c.739G>A (p.Gly247Arg)

Gene: COL27A1 (collagen type XXVII alpha 1 chain; plus strand). Cytogenetic location: 9q32.
Variant type: single nucleotide variant.
Coding change: c.739G>A on transcript NM_032888.4 (MANE Select); coding-DNA position 739, G replaced by A.
Protein change: p.Gly247Arg; replaces glycine 247 with arginine.
Molecular consequence: missense variant.
Genome position (GRCh38, 1-based): chr9:114,168,294, G>A. VCF-style: chr9-114168294-G-A. GRCh37 (hg19) VCF-style: chr9-116930574-G-A.
Other names: c.739G>A (NM_032888.2); short protein forms G247R.
Identifiers: ClinVar variation 742254 (VCV000742254.38), dbSNP rs144068722, ClinGen allele CA5201221.

ClinVar aggregate classification (germline): Conflicting classifications of pathogenicity. Review status: criteria provided, conflicting classifications (1 of 4 stars). 5 submissions from 5 submitters: Uncertain significance (1); Likely benign (3). 1 of the submissions does not count toward it. Last evaluated 2026-08-01.

Conditions:
COL27A1-related disorder. Also called: COL27A1-related condition.
Inborn genetic diseases. Identifiers: MedGen C0950123, MeSH D030342.

Allele frequency attached by ClinVar (database versions not stated): gnomAD 0.00012 and 0.00023; TOPMed 0.00022; ESP Exome Variant Server 0.00023; gnomAD exomes 0.00044 and 0.00082; ExAC 0.00076; 1000 Genomes Project 30x 0.00078; 1000 Genomes Project 0.00080.
gnomAD v4.1: 703 of 1,613,502 alleles (0.044%); highest among the groups gnomAD compares: South Asian, 0.4%; 6 homozygotes.

Submissions (5):

CeGaT Center for Human Genetics Tuebingen
Classification: Likely benign. Last evaluated: 2026-08-01. Review status: criteria provided, single submitter. Criteria: CeGaT Center For Human Genetics Tuebingen Variant Classification Criteria Version 2. Collection method: clinical testing. Allele origin: germline. Affected: yes. Observed: 4 variant alleles.
Comment: COL27A1: BS2

Labcorp Genetics (formerly Invitae), Labcorp
Classification: Likely benign. Last evaluated: 2026-01-26. Review status: criteria provided, single submitter. Criteria: Invitae Variant Classification Sherloc (09022015). Collection method: clinical testing. Allele origin: germline.

Blueprint Genetics
Classification: Likely benign. Last evaluated: 2024-11-18. Review status: criteria provided, single submitter. Criteria: ACMG Guidelines, 2015. Collection method: clinical testing. Allele origin: germline.

Ambry Genetics
Classification: Uncertain significance for Inborn genetic diseases. Last evaluated: 2023-03-01. Review status: criteria provided, single submitter. Criteria: Ambry Variant Classification Scheme 2023. Collection method: clinical testing. Allele origin: germline.

PreventionGenetics, part of Exact Sciences
Classification: Likely benign for COL27A1-related condition. Last evaluated: 2022-09-02. Review status: no assertion criteria provided. Collection method: clinical testing. Allele origin: germline. Not counted in ClinVar's aggregate classification.
Comment: This variant is classified as likely benign based on ACMG/AMP sequence variant interpretation guidelines (Richards et al. 2015 PMID: 25741868, with internal and published modifications).